The following is an entry in ClinVar:

ClinVar aggregate classification (germline): Benign/Likely benign. Review status: criteria provided, multiple submitters, no conflicts (2 of 4 stars). 3 submissions from 3 submitters: Benign (1); Likely benign (2). Last evaluated 2024-04-11.

Conditions:
Familial adenomatous polyposis 1 (FAP1). Also called: FAMILIAL ADENOMATOUS POLYPOSIS 1, ATTENUATED; POLYPOSIS, ADENOMATOUS INTESTINAL. Identifiers: MedGen C2713442, MONDO:0021056, OMIM 175100. Disease mechanism: loss of function.
Hereditary cancer-predisposing syndrome. Also called: Hereditary Cancer Syndrome; Neoplastic Syndromes, Hereditary; Tumor predisposition; Hereditary neoplastic syndrome. Identifiers: Orphanet 140162, MedGen C0027672, MeSH D009386, MONDO:0015356.

Submissions (3):

Myriad Genetics, Inc.
Classification: Benign for Familial adenomatous polyposis 1. Last evaluated: 2024-04-11. Review status: criteria provided, single submitter. Criteria: Myriad Autosomal Dominant, Autosomal Recessive and X-Linked Classification Criteria (2023). Collection method: clinical testing. Allele origin: unknown.
Comment: This variant is considered benign. This variant is a silent/synonymous amino acid change and it is not expected to impact splicing.

Ambry Genetics
Classification: Likely benign for Hereditary cancer-predisposing syndrome. Last evaluated: 2023-02-24. Review status: criteria provided, single submitter. Criteria: Ambry Variant Classification Scheme 2023. Collection method: clinical testing. Allele origin: germline.

Labcorp Genetics (formerly Invitae), Labcorp
Classification: Likely benign for Familial adenomatous polyposis 1. Last evaluated: 2020-10-14. Review status: criteria provided, single submitter. Criteria: Invitae Variant Classification Sherloc (09022015). Collection method: clinical testing. Allele origin: germline.

NM_000038.6(APC):c.7896A>T (p.Ser2632=)

Gene: APC (APC regulator of Wnt signaling pathway; plus strand). Cytogenetic location: 5q22.2.
Variant type: single nucleotide variant.
Coding change: c.7896A>T on transcript NM_000038.6 (MANE Select); coding-DNA position 7896, A replaced by T.
Protein change: p.Ser2632=; no amino-acid change (serine 2632 retained).
Molecular consequence: synonymous variant.
Genome position (GRCh38, 1-based): chr5:112,843,490, A>T. VCF-style: chr5-112843490-A-T. GRCh37 (hg19) VCF-style: chr5-112179187-A-T.
Other names: c.7896A>T (NM_000038.5); c.7896A>T, p.Ser2632= (NM_001127510.3, NM_001354895.2); c.7842A>T, p.Ser2614= (NM_001127511.3); c.7950A>T, p.Ser2650= (NM_001354896.2); c.7926A>T, p.Ser2642= (NM_001354897.2); c.7821A>T, p.Ser2607= (NM_001354898.2); c.7812A>T, p.Ser2604= (NM_001354899.2); c.7773A>T, p.Ser2591= (NM_001354900.2); and 6 more.
Identifiers: ClinVar variation 1085039 (VCV001085039.13), dbSNP rs779015041, ClinGen allele CA446210942.